The following is an entry in ClinVar:

ClinVar aggregate classification (germline): Likely benign. Review status: criteria provided, multiple submitters, no conflicts (2 of 4 stars). 4 submissions from 4 submitters: Likely benign (4). Last evaluated 2025-10-09.

Conditions:
Shprintzen-Goldberg syndrome (SGS). Also called: Marfanoid disorder with craniosynostosis type 1; Marfanoid craniosynostosis syndrome; Shprintzen-Goldberg marfanoid syndrome; SHPRINTZEN-GOLDBERG CRANIOSYNOSTOSIS SYNDROME; CRANIOSYNOSTOSIS WITH ARACHNODACTYLY AND ABDOMINAL HERNIAS. Identifiers: Orphanet 2462, MedGen C1321551, MONDO:0008426, OMIM 182212.
Familial thoracic aortic aneurysm and aortic dissection (TAAD). Also called: Thoracic aortic aneurysms and dissections. Identifiers: Orphanet 91387, MedGen C4707243, MONDO:0019625.

Allele frequency attached by ClinVar (database versions not stated): gnomAD 0.00001 and 0.00003; TOPMed 0.00002; 1000 Genomes Project 30x 0.00031; 1000 Genomes Project 0.00040.

Submissions (4):

Labcorp Genetics (formerly Invitae), Labcorp
Classification: Likely benign for Shprintzen-Goldberg syndrome. Last evaluated: 2025-10-09. Review status: criteria provided, single submitter. Criteria: Invitae Variant Classification Sherloc (09022015). Collection method: clinical testing. Allele origin: germline.

CeGaT Center for Human Genetics Tuebingen
Classification: Likely benign. Last evaluated: 2024-02-01. Review status: criteria provided, single submitter. Criteria: CeGaT Center For Human Genetics Tuebingen Variant Classification Criteria Version 2. Collection method: clinical testing. Allele origin: germline. Affected: yes. Observed: 1 variant allele.
Comment: SKI: BP4, BP7

ARUP Laboratories, Molecular Genetics and Genomics, ARUP Laboratories
Classification: Likely benign for Shprintzen-Goldberg syndrome. Last evaluated: 2020-10-13. Review status: criteria provided, single submitter. Criteria: ARUP Molecular Germline Variant Investigation Process 2021. Collection method: clinical testing. Allele origin: germline.

Ambry Genetics
Classification: Likely benign for Familial thoracic aortic aneurysm and aortic dissection. Last evaluated: 2017-09-30. Review status: criteria provided, single submitter. Criteria: Ambry Variant Classification Scheme 2023. Collection method: clinical testing. Allele origin: germline.

NM_003036.4(SKI):c.1152C>T (p.Pro384=)

Gene: SKI (SKI proto-oncogene; plus strand). Cytogenetic location: 1p36.32.
Variant type: single nucleotide variant.
Coding change: c.1152C>T on transcript NM_003036.4 (MANE Select); coding-DNA position 1152, C replaced by T.
Protein change: p.Pro384=; no amino-acid change (proline 384 retained).
Molecular consequence: synonymous variant.
Genome position (GRCh38, 1-based): chr1:2,303,341, C>T. VCF-style: chr1-2303341-C-T. GRCh37 (hg19) VCF-style: chr1-2234780-C-T.
Identifiers: ClinVar variation 520161 (VCV000520161.35), dbSNP rs200160702, ClinGen allele CA536599.
Genomic context (GRCh38, chr1:2,303,341, plus strand): 5'-ACAGAGCCTGGGCTGTGTTCACCCTCGCCAGCGCCTCTCTGCTTTCCGACCCTGGTCCCC[C>T]GCAGTGTCAGCGAGTGAGAAAGAGCTCTCCCCACACCTCCCGGCCCTCATCCGAGACAGG-3'
Protein context (NP_003027.1, residues 374-394): QRLSAFRPWS[Pro384=]AVSASEKELS